The following is an entry in ClinVar:

ClinVar aggregate classification (germline): Uncertain significance (1 of 4 stars; one submission).

Conditions:
Primary ciliary dyskinesia. Also called: Ciliary dyskinesia. Identifiers: Orphanet 244, MedGen C0008780, MONDO:0016575, HP:0012265.

gnomAD v4.1: 2 of 1,612,650 alleles (0.00012%); highest among the groups gnomAD compares: African/African-American, 0.0013%; no homozygotes.

Submission:

Labcorp Genetics (formerly Invitae), Labcorp
Classification: Uncertain significance for Primary ciliary dyskinesia. Last evaluated: 2021-09-15. Review status: criteria provided, single submitter. Criteria: Invitae Variant Classification Sherloc (09022015). Collection method: clinical testing. Allele origin: germline.
Comment: In summary, the available evidence is currently insufficient to determine the role of this variant in disease. Therefore, it has been classified as a Variant of Uncertain Significance. Algorithms developed to predict the effect of missense changes on protein structure and function (SIFT, PolyPhen-2, Align-GVGD) all suggest that this variant is likely to be tolerated. This variant has not been reported in the literature in individuals affected with DNAAF1-related conditions. This variant is not present in population databases (ExAC no frequency). This sequence change replaces alanine with serine at codon 418 of the DNAAF1 protein (p.Ala418Ser). The alanine residue is weakly conserved and there is a moderate physicochemical difference between alanine and serine.

NM_178452.6(DNAAF1):c.1252G>T (p.Ala418Ser)

Gene: DNAAF1 (dynein axonemal assembly factor 1; plus strand). Cytogenetic location: 16q24.1.
Variant type: single nucleotide variant.
Coding change: c.1252G>T on transcript NM_178452.6 (MANE Select); coding-DNA position 1252, G replaced by T.
Protein change: p.Ala418Ser; replaces alanine 418 with serine.
Molecular consequence: missense variant.
Genome position (GRCh38, 1-based): chr16:84,170,080, G>T. VCF-style: chr16-84170080-G-T. GRCh37 (hg19) VCF-style: chr16-84203686-G-T.
Other names: c.544G>T, p.Ala182Ser (NM_001318756.1); short protein forms A418S, A182S.
Identifiers: ClinVar variation 1490465 (VCV001490465.6), dbSNP rs2151265896, ClinGen allele CA396948019.